The following is an entry in ClinVar:

NM_000179.3(MSH6):c.3802-4dup

Gene: MSH6 (mutS homolog 6; plus strand). Cytogenetic location: 2p16.3.
Variant type: Duplication.
Coding change: c.3802-4dup on transcript NM_000179.3 (MANE Select); 4 bases into the intron before coding-DNA position 3802, one base duplicated (T; older notation c.3802-4dupT).
Molecular consequence: intron variant.
Genome position (GRCh38, 1-based): chr2:47,806,448, T duplicated; the last of 2 consecutive T bases (chr2:47,806,447-47,806,448); duplicating either gives the same sequence. VCF-style (leftmost placement, unchanged base first): chr2-47806446-C-CT. GRCh37 (hg19) VCF-style: chr2-48033585-C-CT.
Other names: c.3802-4dup (NM_001406809.1, NM_001406796.1, NM_001406808.1); c.2896-4dup (NM_001406811.1, NM_001406814.1, NM_001281493.2 and 6 more transcripts); c.3505-4dup (NM_001406805.1, NM_001406797.1, NM_001406801.1 and 10 more transcripts); c.3898-4dup (NM_001406795.1); c.3897+90dup (NM_001406802.1); c.3808-4dup (NM_001406813.1); c.3277-4dup (NM_001406807.1, NM_001406799.1, NM_001406806.1); c.3802-17dup (NM_001406800.1); and 9 more.
Identifiers: ClinVar variation 3904646 (VCV003904646.1).

ClinVar aggregate classification (germline): Likely benign (1 of 4 stars; one submission).

Conditions:
Lynch syndrome 5 (LYNCH5). Also called: Colorectal cancer, hereditary nonpolyposis, type 5; Hereditary non-polyposis colorectal cancer, type 5. Identifiers: Orphanet 144, MedGen C1833477, MONDO:0013710, OMIM 614350. Disease mechanism: loss of function.

Submission:

Myriad Genetics, Inc.
Classification: Likely benign for Lynch syndrome 5. Last evaluated: 2025-01-08. Review status: criteria provided, single submitter. Criteria: Myriad Autosomal Dominant, Autosomal Recessive and X-Linked Classification Criteria (2023). Collection method: clinical testing. Allele origin: unknown.
Comment: This variant is considered likely benign. This variant is intronic and is not expected to impact mRNA splicing.